The following is an entry in ClinVar:

ClinVar aggregate classification (germline): Uncertain significance (1 of 4 stars; one submission).

Submission:

Athena Diagnostics
Classification: Uncertain significance. Last evaluated: 2023-08-24. Review status: criteria provided, single submitter. Criteria: Athena Diagnostics Criteria. Collection method: clinical testing. Allele origin: unknown.
Comment: Available data are insufficient to determine the clinical significance of the variant at this time. The frequency of this variant in the general population is uninformative in assessment of its pathogenicity. Computational tools yielded predictions that this variant is unlikely to have an effect on normal RNA splicing.

NM_201384.3(PLEC):c.4146_4157del (p.Lys1383_Ala1386del)

Gene: PLEC (plectin; minus strand). Cytogenetic location: 8q24.3.
Variant type: Deletion.
Coding change: c.4146_4157del on transcript NM_201384.3 (MANE Select); coding-DNA positions 4146 to 4157, 12 bases deleted (AAAGGCACAGGC).
Protein change: p.Lys1383_Ala1386del.
Molecular consequence: inframe deletion. On other transcripts: intron variant (1).
Genome position (GRCh38, 1-based): chr8:143,925,772-143,925,783, GCCTGTGCCTTT deleted on the plus strand (AAAGGCACAGGC on the coding strand, the reverse complement: PLEC is on the minus strand); deleting any 12 consecutive bases within chr8:143,925,772-143,925,788 gives the same sequence; the c. name uses the placement nearest the transcript's 3' end. VCF-style (leftmost placement, unchanged base first): chr8-143925771-CGCCTGTGCCTTT-C. GRCh37 (hg19) VCF-style: chr8-144999939-CGCCTGTGCCTTT-C.
Other names: c.4227_4238del, p.Lys1410_Ala1413del (NM_000445.5); c.4104_4115del, p.Lys1369_Ala1372del (NM_201378.4); c.4080_4091del, p.Lys1361_Ala1364del (NM_201379.3); c.4557_4568del, p.Lys1520_Ala1523del (NM_201380.4); c.4050_4061del, p.Lys1351_Ala1354del (NM_201381.3); c.4146_4157del, p.Lys1383_Ala1386del (NM_201382.4); c.4158_4169del, p.Lys1387_Ala1390del (NM_201383.3); c.4125+1001_4125+1012del (NM_001410941.1).
Identifiers: ClinVar variation 2684303 (VCV002684303.1), dbSNP rs781829444, ClinGen allele CA4926751.